The following is an entry in ClinVar:

ClinVar aggregate classification (germline): Benign/Likely benign. Review status: criteria provided, multiple submitters, no conflicts (2 of 4 stars). 3 submissions from 3 submitters: Benign (1); Likely benign (2). Last evaluated 2025-12-30.

Conditions:
Diamond-Blackfan anemia. Also called: Blackfan Diamond syndrome; Aregenerative anemia chronic congenital; Red cell aplasia, pure hereditary; Congenital hypoplastic anemia; Aase syndrome. Identifiers: Orphanet 124, MedGen C1260899, MeSH D029503, MONDO:0015253, HP:0004810.

Allele frequency attached by ClinVar (database versions not stated): ExAC 0.00013; gnomAD 0.00013; gnomAD exomes 0.00017; TOPMed 0.00018; 1000 Genomes Project 30x 0.00031; 1000 Genomes Project 0.00040.
gnomAD v4.1: 129 of 1,614,234 alleles (0.008%); highest among the groups gnomAD compares: East Asian, 0.22%; 1 homozygote.

Submissions (3):

Labcorp Genetics (formerly Invitae), Labcorp
Classification: Benign for Diamond-Blackfan anemia. Last evaluated: 2025-12-30. Review status: criteria provided, single submitter. Criteria: Invitae Variant Classification Sherloc (09022015). Collection method: clinical testing. Allele origin: germline.

Blueprint Genetics
Classification: Likely benign. Last evaluated: 2024-10-11. Review status: criteria provided, single submitter. Criteria: ACMG Guidelines, 2015. Collection method: clinical testing. Allele origin: germline.

GeneDx
Classification: Likely benign. Last evaluated: 2017-04-13. Review status: criteria provided, single submitter. Criteria: GeneDx Variant Classification (06012015). Collection method: clinical testing. Allele origin: germline. Affected: yes.
Comment: This variant is considered likely benign or benign based on one or more of the following criteria: it is a conservative change, it occurs at a poorly conserved position in the protein, it is predicted to be benign by multiple in silico algorithms, and/or has population frequency not consistent with disease.

NM_000975.5(RPL11):c.6+19G>T

Genes: RPL11 (ribosomal protein L11; plus strand), LOC129929673 (ATAC-STARR-seq lymphoblastoid active region 374; plus strand). Cytogenetic location: 1p36.11.
Variant type: single nucleotide variant.
Coding change: c.6+19G>T on transcript NM_000975.5 (MANE Select); 19 bases into the intron after coding-DNA position 6, G replaced by T.
Molecular consequence: intron variant.
Genome position (GRCh38, 1-based): chr1:23,691,848, G>T. VCF-style: chr1-23691848-G-T. GRCh37 (hg19) VCF-style: chr1-24018338-G-T.
Other names: c.6+19G>T (LRG_1140t1, NM_001199802.1).
Identifiers: ClinVar variation 508925 (VCV000508925.10), dbSNP rs563555270, ClinGen allele CA684124.